The following is an entry in ClinVar:

ClinVar aggregate classification (germline): Uncertain significance. Review status: criteria provided, multiple submitters, no conflicts (2 of 4 stars). 2 submissions from 2 submitters: Uncertain significance (2). Last evaluated 2024-01-12.

Submissions (2):

GeneDx
Classification: Uncertain significance. Last evaluated: 2024-01-12. Review status: criteria provided, single submitter. Criteria: GeneDx Variant Classification Process June 2021. Collection method: clinical testing. Allele origin: germline. Affected: yes.
Comment: Not observed at significant frequency in large population cohorts (gnomAD); In silico analysis supports that this missense variant has a deleterious effect on protein structure/function; Has not been previously published as pathogenic or benign to our knowledge

Labcorp Genetics (formerly Invitae), Labcorp
Classification: Uncertain significance. Last evaluated: 2023-12-11. Review status: criteria provided, single submitter. Criteria: Invitae Variant Classification Sherloc (09022015). Collection method: clinical testing. Allele origin: germline.
Comment: This sequence change replaces isoleucine, which is neutral and non-polar, with threonine, which is neutral and polar, at codon 750 of the CACNA1D protein (p.Ile750Thr). This variant is not present in population databases (gnomAD no frequency). This variant has not been reported in the literature in individuals affected with CACNA1D-related conditions. ClinVar contains an entry for this variant (Variation ID: 1485306). Advanced modeling of protein sequence and biophysical properties (such as structural, functional, and spatial information, amino acid conservation, physicochemical variation, residue mobility, and thermodynamic stability) performed at Invitae indicates that this missense variant is not expected to disrupt CACNA1D protein function with a negative predictive value of 80%. In summary, the available evidence is currently insufficient to determine the role of this variant in disease. Therefore, it has been classified as a Variant of Uncertain Significance.

NM_001128840.3(CACNA1D):c.2189T>C (p.Ile730Thr)

Gene: CACNA1D (calcium voltage-gated channel subunit alpha1 D; plus strand). Cytogenetic location: 3p21.1.
Variant type: single nucleotide variant.
Coding change: c.2189T>C on transcript NM_001128840.3 (MANE Select); coding-DNA position 2189, T replaced by C.
Protein change: p.Ile730Thr; replaces isoleucine 730 with threonine.
Molecular consequence: missense variant.
Genome position (GRCh38, 1-based): chr3:53,726,967, T>C. VCF-style: chr3-53726967-T-C. GRCh37 (hg19) VCF-style: chr3-53760994-T-C.
Other names: c.2249T>C, p.Ile750Thr (NM_000720.4); c.2189T>C, p.Ile730Thr (NM_001128839.3); c.2249T>C (NM_000720.2); short protein forms I730T, I750T.
Identifiers: ClinVar variation 1485306 (VCV001485306.7), dbSNP rs2108742527, ClinGen allele CA353239127.